The following is an entry in ClinVar:

NM_002232.5(KCNA3):c.1524CTC[1] (p.Ser511del)

Gene: KCNA3 (potassium voltage-gated channel subfamily A member 3; minus strand). Cytogenetic location: 1p13.3.
Variant type: Microsatellite.
Coding change: c.1524CTC[1] on transcript NM_002232.5 (MANE Select); one copy of the 3-base unit CTC starting at c.1524; the reference has two copies in a row; one copy, 3 bases deleted.
Protein change: p.Ser511del; deletes serine 511.
Molecular consequence: inframe deletion. On other transcripts: non-coding transcript variant (1).
Genome position (GRCh38, 1-based): chr1:110,673,281-110,673,283, GAG deleted on the plus strand (CTC on the coding strand, the reverse complement: KCNA3 is on the minus strand); deleting any 3 consecutive bases within chr1:110,673,281-110,673,286 gives the same sequence; the position shown is the placement nearest the transcript's 3' end. VCF-style (leftmost placement, unchanged base first): chr1-110673280-AGAG-A. GRCh37 (hg19) VCF-style: chr1-111215902-AGAG-A.
Other names: short protein forms S511del.
Identifiers: ClinVar variation 5017436 (VCV005017436.1).

ClinVar aggregate classification (germline): Uncertain significance (1 of 4 stars; one submission).

Submission:

GeneDx
Classification: Uncertain significance. Last evaluated: 2026-03-24. Review status: criteria provided, single submitter. Criteria: GeneDx Variant Classification Process June 2021. Collection method: clinical testing. Allele origin: germline.
Comment: In-frame deletion of 1 amino acid in a non-repeat region; Not observed at significant frequency in large population cohorts (gnomAD); In silico analysis supports a deleterious effect on protein structure/function; Has not been previously published as pathogenic or benign to our knowledge